The following is an entry in ClinVar:

ClinVar aggregate classification (germline): Conflicting classifications of pathogenicity. Review status: criteria provided, conflicting classifications (1 of 4 stars). 7 submissions from 7 submitters: Uncertain significance (4); Likely benign (3). Last evaluated 2026-02-01.

Conditions:
Congenital heart defects, multiple types, 5. Identifiers: MedGen C4693563, MONDO:0060663, OMIM 617912.
Inborn genetic diseases. Identifiers: MedGen C0950123, MeSH D030342.

Allele frequency attached by ClinVar (database versions not stated): gnomAD 0.00062 and 0.00061; ExAC 0.00204; ESP Exome Variant Server 0.00024; gnomAD exomes 0.00030 and 0.00058; TOPMed 0.00050; 1000 Genomes Project 0.00060; 1000 Genomes Project 30x 0.00062.
gnomAD v4.1: 496 of 1,400,228 alleles (0.035%); highest among the groups gnomAD compares: Middle Eastern, 0.41%; no homozygotes.

Submissions (7):

Labcorp Genetics (formerly Invitae), Labcorp
Classification: Likely benign. Last evaluated: 2026-02-01. Review status: criteria provided, single submitter. Criteria: Invitae Variant Classification Sherloc (09022015). Collection method: clinical testing. Allele origin: germline.

Blueprint Genetics
Classification: Likely benign. Last evaluated: 2024-11-21. Review status: criteria provided, single submitter. Criteria: ACMG Guidelines, 2015. Collection method: clinical testing. Allele origin: germline.

Greenwood Genetic Center Diagnostic Laboratories, Greenwood Genetic Center
Classification: Uncertain significance. Last evaluated: 2024-10-28. Review status: criteria provided, single submitter. Criteria: ACMG Guidelines, 2015. Collection method: clinical testing. Allele origin: germline. Affected: yes.
Comment: PS3_Supportive

GeneDx
Classification: Likely benign. Last evaluated: 2020-12-11. Review status: criteria provided, single submitter. Criteria: GeneDx Variant Classification Process June 2021. Collection method: clinical testing. Allele origin: germline. Affected: yes.
Comment: Reported in the heterozygous state in an individual with bicuspid aortic valve and in an individual with Down syndrome and a complete atrioventricular septal defect (Padang et al., 2012; Ackerman et al., 2012); Described in the homozygous state in an individual with a double outlet right ventricle, a small ventricular septal defect, and a mild pulmonary stenosis (Kassab et al., 2016); the parents of this proband, who were both heterozygous for Y142H, were reported to have normal heart structure and function on echocardiogram; Functional studies are conflicting with regard to the impact of the Y142H variant on transcriptional regulation of target genes (Ackerman et al., 2012; Kassab et al., 2016); This variant is associated with the following publications: (PMID: 23040494, 27066509, 22641149, 29966037, 32706213)

Revvity Omics, Revvity
Classification: Uncertain significance for Congenital heart defects, multiple types, 5. Last evaluated: 2020-10-16. Review status: criteria provided, single submitter. Criteria: ACMG Guidelines, 2015. Collection method: clinical testing. Allele origin: germline.

CeGaT Center for Human Genetics Tuebingen
Classification: Uncertain significance. Last evaluated: 2019-07-01. Review status: criteria provided, single submitter. Criteria: CeGaT Center For Human Genetics Tuebingen Variant Classification Criteria Version 2. Collection method: clinical testing. Allele origin: germline. Affected: yes. Observed: 1 variant allele.

Ambry Genetics
Classification: Uncertain significance for Inborn genetic diseases. Last evaluated: 2017-06-15. Review status: criteria provided, single submitter. Criteria: Ambry exome assertion method (8-5-2015). Collection method: clinical testing. Allele origin: germline. Affected: yes. Observed: 1 variant allele.

Literature cited by the submitters: PubMed 22641149 (cited by Ambry Genetics); PubMed 27066509 (cited by Ambry Genetics); PubMed 28180938 (cited by Ambry Genetics); PubMed 23040494 (cited by Ambry Genetics).

NM_080473.5(GATA5):c.424T>C (p.Tyr142His)

Gene: GATA5 (GATA binding protein 5; minus strand). Cytogenetic location: 20q13.33.
Variant type: single nucleotide variant.
Coding change: c.424T>C on transcript NM_080473.5 (MANE Select); coding-DNA position 424, T replaced by C.
Protein change: p.Tyr142His; replaces tyrosine 142 with histidine.
Molecular consequence: missense variant.
Genome position (GRCh38, 1-based): chr20:62,475,098, A>G on the plus strand (T>C on the coding strand, the complement: GATA5 is on the minus strand). VCF-style: chr20-62475098-A-G. GRCh37 (hg19) VCF-style: chr20-61050154-A-G.
Other names: short protein forms Y142H.
Identifiers: ClinVar variation 420167 (VCV000420167.60), dbSNP rs111554140, ClinGen allele CA9946315.